The following is an entry in ClinVar:

ClinVar aggregate classification (germline): Pathogenic. Review status: criteria provided, multiple submitters, no conflicts (2 of 4 stars). 5 submissions from 5 submitters: Pathogenic (3). 2 of the submissions do not count toward it. Last evaluated 2024-06-14.

Conditions:
Inborn genetic diseases. Identifiers: MedGen C0950123, MeSH D030342.
Niemann-Pick disease, type C2 (NPC2). Identifiers: Orphanet 646, MedGen C1843366, MONDO:0011873, OMIM 607625.

Allele frequency attached by ClinVar (database versions not stated): gnomAD exomes 0.00001.
gnomAD v4.1: 3 of 1,606,096 alleles (0.00019%); highest among the groups gnomAD compares: South Asian, 0.0034%; no homozygotes.

Submissions (5):

Fulgent Genetics
Classification: Pathogenic for Niemann-Pick disease, type C2. Last evaluated: 2024-06-14. Review status: criteria provided, single submitter. Criteria: ACMG Guidelines, 2015. Collection method: clinical testing. Allele origin: germline.

Labcorp Genetics (formerly Invitae), Labcorp
Classification: Pathogenic for Niemann-Pick disease, type C2. Last evaluated: 2023-10-26. Review status: criteria provided, single submitter. Criteria: Invitae Variant Classification Sherloc (09022015). Collection method: clinical testing. Allele origin: germline.
Comment: This sequence change creates a premature translational stop signal (p.Cys47*) in the NPC2 gene. It is expected to result in an absent or disrupted protein product. Loss-of-function variants in NPC2 are known to be pathogenic (PMID: 25145893). The frequency data for this variant in the population databases is considered unreliable, as metrics indicate poor data quality at this position in the gnomAD database. This premature translational stop signal has been observed in individual(s) with Niemann-Pick Type C (PMID: 15937921, 28095804). ClinVar contains an entry for this variant (Variation ID: 21456). For these reasons, this variant has been classified as Pathogenic.

Ambry Genetics
Classification: Pathogenic for Inborn genetic diseases. Last evaluated: 2022-02-18. Review status: criteria provided, single submitter. Criteria: Ambry Variant Classification Scheme 2023. Collection method: clinical testing. Allele origin: germline.
Comment: The c.141C>A (p.C47*) alteration, located in exon 2 (coding exon 2) of the NPC2 gene, consists of a C to A substitution at nucleotide position 141. This changes the amino acid from a cysteine (C) to a stop codon at amino acid position 47. This alteration is expected to result in loss of function by premature protein truncation or nonsense-mediated mRNA decay. This alteration has been reported in the homozygous state in patients with features of Niemann-Pick disease, type C2 (Chikh, 2005; Sheth, 2017). Based on the available evidence, this alteration is classified as pathogenic.

Foundation for Research in Genetics and Endocrinology, FRIGE's Institute of Human Genetics
Classification: Pathogenic for Niemann-Pick disease, type C2. Last evaluated: 2014-06-25. Review status: no assertion criteria provided. Collection method: research. Allele origin: germline. Affected: yes. Observed: 1 variant allele, 1 homozygote. Not counted in ClinVar's aggregate classification.

GeneReviews
No classification provided. Condition: Niemann-Pick disease, type C2. Review status: no classification provided. Collection method: literature only. Allele origin: unknown. Not counted in ClinVar's aggregate classification.

Literature cited by the submitters: PubMed 25145893 (cited by Labcorp Genetics (formerly Invitae), Labcorp); PubMed 15937921 (cited by Labcorp Genetics (formerly Invitae), Labcorp and Ambry Genetics); PubMed 28095804 (cited by Labcorp Genetics (formerly Invitae), Labcorp and Ambry Genetics); PubMed 20301473 (cited by GeneReviews); NCBI Bookshelf NBK1296 (cited by GeneReviews).

NM_006432.5(NPC2):c.141C>A (p.Cys47Ter)

Gene: NPC2 (NPC intracellular cholesterol transporter 2; minus strand). Cytogenetic location: 14q24.3.
Variant type: single nucleotide variant.
Coding change: c.141C>A on transcript NM_006432.5 (MANE Select); coding-DNA position 141, C replaced by A.
Protein change: p.Cys47Ter; replaces cysteine 47 with a stop codon.
Molecular consequence: nonsense.
Genome position (GRCh38, 1-based): chr14:74,486,378, G>T on the plus strand (C>A on the coding strand, the complement: NPC2 is on the minus strand). VCF-style: chr14-74486378-G-T. GRCh37 (hg19) VCF-style: chr14-74953081-G-T.
Other names: c.141C>A, p.Cys47Ter (NM_001363688.1, NM_001375440.1); short protein forms C47*.
Identifiers: ClinVar variation 21456 (VCV000021456.16), dbSNP rs80358263, ClinGen allele CA342108.
Genomic context (GRCh38, chr14:74,486,378, plus strand): 5'-CTTTTACGCACTGCTGGTGAAGGTGACATTGACGCTGTAAGACTGTCCTTTGCTCAGCTG[G>T]CAGGGTTGGGTGGGGCATGGGCTCACATTCACTTCCTTTATAACTCCATCCACAGAACCT-3'